The following is an entry in ClinVar:

ClinVar aggregate classification (germline): Uncertain significance (1 of 4 stars; one submission).

Allele frequency attached by ClinVar (database versions not stated): ExAC 0.00001; gnomAD exomes 0.00001.
gnomAD v4.1: 13 of 1,612,982 alleles (0.00081%); highest among the groups gnomAD compares: Non-Finnish European, 0.0011%; no homozygotes.

Submission:

Labcorp Genetics (formerly Invitae), Labcorp
Classification: Uncertain significance. Last evaluated: 2022-09-02. Review status: criteria provided, single submitter. Criteria: Invitae Variant Classification Sherloc (09022015). Collection method: clinical testing. Allele origin: germline.
Comment: In summary, the available evidence is currently insufficient to determine the role of this variant in disease. Therefore, it has been classified as a Variant of Uncertain Significance. Advanced modeling of protein sequence and biophysical properties (such as structural, functional, and spatial information, amino acid conservation, physicochemical variation, residue mobility, and thermodynamic stability) performed at Invitae indicates that this missense variant is not expected to disrupt DCHS1 protein function. This variant has not been reported in the literature in individuals affected with DCHS1-related conditions. The frequency data for this variant in the population databases is considered unreliable, as metrics indicate poor data quality at this position in the gnomAD database. This sequence change replaces aspartic acid, which is acidic and polar, with asparagine, which is neutral and polar, at codon 370 of the DCHS1 protein (p.Asp370Asn).

NM_003737.4(DCHS1):c.1108G>A (p.Asp370Asn)

Gene: DCHS1 (dachsous cadherin-related 1; minus strand). Cytogenetic location: 11p15.4.
Variant type: single nucleotide variant.
Coding change: c.1108G>A on transcript NM_003737.4 (MANE Select); coding-DNA position 1108, G replaced by A.
Protein change: p.Asp370Asn; replaces aspartic acid 370 with asparagine.
Molecular consequence: missense variant.
Genome position (GRCh38, 1-based): chr11:6,640,506, C>T on the plus strand (G>A on the coding strand, the complement: DCHS1 is on the minus strand). VCF-style: chr11-6640506-C-T. GRCh37 (hg19) VCF-style: chr11-6661737-C-T.
Other names: short protein forms D370N.
Identifiers: ClinVar variation 2131500 (VCV002131500.4), dbSNP rs767229397, ClinGen allele CA5861026.
Genomic context (GRCh38, chr11:6,640,506, plus strand): 5'-CAGAGATGCGAGCAACGAGCTGTCCAGGTGGGGCGGCCTCAGACACTTGGGGGGAGCCAT[C>T]TGCACTGAGAAAGATGACAGTCATGGAGGGCTGATTGTCATTGGCATCTCGCACATGCAC-3'
Protein context (NP_003728.1, residues 360-380): PSMTVIFLSA[Asp370Asn]GSPQVSEAAP